The following is an entry in ClinVar:

NM_018718.3(CEP41):c.1082C>A (p.Ser361Tyr)

Gene: CEP41 (centrosomal protein 41; minus strand). Cytogenetic location: 7q32.2.
Variant type: single nucleotide variant.
Coding change: c.1082C>A on transcript NM_018718.3 (MANE Select); coding-DNA position 1082, C replaced by A.
Protein change: p.Ser361Tyr; replaces serine 361 with tyrosine.
Molecular consequence: missense variant. On other transcripts: non-coding transcript variant (1).
Genome position (GRCh38, 1-based): chr7:130,398,931, G>T on the plus strand (C>A on the coding strand, the complement: CEP41 is on the minus strand). VCF-style: chr7-130398931-G-T. GRCh37 (hg19) VCF-style: chr7-130038772-G-T.
Other names: c.866C>A, p.Ser289Tyr (NM_001257158.2); c.818C>A, p.Ser273Tyr (NM_001257159.2); short protein forms S273Y, S289Y, S361Y.
Identifiers: ClinVar variation 1996264 (VCV001996264.4), dbSNP rs2117545897, ClinGen allele CA369286408.

ClinVar aggregate classification (germline): Uncertain significance (1 of 4 stars; one submission).

Conditions:
Joubert syndrome 15 (JBTS15). Identifiers: Orphanet 475, MedGen C3280897, MONDO:0013763, OMIM 614464.

Submission:

Labcorp Genetics (formerly Invitae), Labcorp
Classification: Uncertain significance for Joubert syndrome 15. Last evaluated: 2022-05-27. Review status: criteria provided, single submitter. Criteria: Invitae Variant Classification Sherloc (09022015). Collection method: clinical testing. Allele origin: germline.
Comment: This variant has not been reported in the literature in individuals affected with CEP41-related conditions. Algorithms developed to predict the effect of missense changes on protein structure and function (SIFT, PolyPhen-2, Align-GVGD) all suggest that this variant is likely to be tolerated. In summary, the available evidence is currently insufficient to determine the role of this variant in disease. Therefore, it has been classified as a Variant of Uncertain Significance. This variant is not present in population databases (gnomAD no frequency). This sequence change replaces serine, which is neutral and polar, with tyrosine, which is neutral and polar, at codon 361 of the CEP41 protein (p.Ser361Tyr).